The following is an entry in ClinVar:

NM_006180.6(NTRK2):c.57C>T (p.Cys19=)

Gene: NTRK2 (neurotrophic receptor tyrosine kinase 2; plus strand). Cytogenetic location: 9q21.33.
Variant type: single nucleotide variant.
Coding change: c.57C>T on transcript NM_006180.6 (MANE Select); coding-DNA position 57, C replaced by T.
Protein change: p.Cys19=; no amino-acid change (cysteine 19 retained).
Molecular consequence: synonymous variant.
Genome position (GRCh38, 1-based): chr9:84,670,805, C>T. VCF-style: chr9-84670805-C-T. GRCh37 (hg19) VCF-style: chr9-87285720-C-T.
Other names: c.57C>T, p.Cys19= (NM_001007097.3, NM_001018064.3, NM_001018065.2 and 18 more transcripts).
Identifiers: ClinVar variation 3346034 (VCV003346034.1).
Genomic context (GRCh38, chr9:84,670,805, plus strand): 5'-AGGGATGTCGTCCTGGATAAGGTGGCATGGACCCGCCATGGCGCGGCTCTGGGGCTTCTG[C>T]TGGCTGGTTGTGGGCTTCTGGAGGGCCGCTTTCGCCTGTCCCACGTCCTGCAAATGCAGT-3'
Protein context (NP_006171.2, residues 9-29): GPAMARLWGF[Cys19=]WLVVGFWRAA

ClinVar aggregate classification (germline): Likely benign (0 of 4 stars; one submission).

Conditions:
NTRK2-related disorder. Also called: NTRK2-related condition.

Submission:

PreventionGenetics, part of Exact Sciences
Classification: Likely benign for NTRK2-related condition. Last evaluated: 2024-05-10. Review status: no assertion criteria provided. Collection method: clinical testing. Allele origin: germline.
Comment: This variant is classified as likely benign based on ACMG/AMP sequence variant interpretation guidelines (Richards et al. 2015 PMID: 25741868, with internal and published modifications).